The following is an entry in ClinVar:

ClinVar aggregate classification (germline): Likely benign. Review status: reviewed by expert panel (3 of 4 stars). 12 submissions from 12 submitters: Likely benign (1). 11 of the submissions do not count toward it. Last evaluated 2020-06-16.

Conditions:
Platelet-type bleeding disorder 16 (BDPLT16). Also called: Bleeding disorder, platelet-type, 16, autosomal dominant. Identifiers: Orphanet 140957, MedGen C5442010, MONDO:0008552, OMIM 187800.
Glanzmann thrombasthenia 1 (GT1). Also called: GP IIb-IIIa COMPLEX DEFICIENCY; GLYCOPROTEIN COMPLEX IIb-IIIa DEFICIENCY; PLATELET FIBRINOGEN RECEPTOR DEFICIENCY; BLEEDING DISORDER, PLATELET-TYPE, 2. Identifiers: MedGen CN300358, MONDO:0031332, OMIM 273800.
ITGA2B-related disorder. Also called: ITGA2B-related condition; ITGA2B-related disorders.
Glanzmann thrombasthenia. Also called: PLATELET GLYCOPROTEIN IIb-IIIa DEFICIENCY; THROMBASTHENIA OF GLANZMANN AND NAEGELI; Thrombasthenia; Glanzmann's thrombasthenia. Identifiers: Orphanet 849, MedGen C0040015, MONDO:0100326.

Allele frequency attached by ClinVar (database versions not stated): ESP Exome Variant Server 0.00031; gnomAD exomes 0.00044 and 0.00060; gnomAD 0.00064 and 0.00065; ExAC 0.00065; 1000 Genomes Project 0.00080; TOPMed 0.00090; 1000 Genomes Project 30x 0.00094.
gnomAD v4.1: 773 of 1,614,138 alleles (0.048%); highest among the groups gnomAD compares: Middle Eastern, 1.3%; 4 homozygotes.

Submissions (12):

ClinGen Platelet Disorders Variant Curation Expert Panel, ClinGen
Classification: Likely benign for Glanzmann thrombasthenia. Last evaluated: 2020-06-16. Review status: reviewed by expert panel. Criteria: ClinGen Platelet ACMG Specifications v2. Collection method: curation. Allele origin: germline. Inheritance: Autosomal recessive inheritance.
Comment: The ITGA2B missense variant c.2965G>A (p.Ala989Thr) has been observed in at least two probands with GT (PMIDs: 25539746, 15099289) however it was in cis with the pathogenic variant Val982Met.Expression in COS-7 cells did not reduce Î±IIbÎ²3 surface expression, however functionality was not assessed. Computational evidence suggest no impact on the gene/gene product, with a REVEL score of 0.13. In summary, this variant meets criteria to be classified as Likely Benign for GT. GT-specific criteria applied: BP2 and BP4.

Dasa
Classification: Benign. Last evaluated: 2026-01-06. Review status: criteria provided, single submitter. Criteria: DASA Assertion Criteria. Collection method: clinical testing. Allele origin: germline. Not counted in ClinVar's aggregate classification.
Comment: NM_000419.5(ITGA2B):c.2965G>A (p.Ala989Thr) is a missense variant that results in the substitution of alanine with threonine. Population frequency is inconsistent with a disease-causing role for this variant, and observations in unaffected individuals support a benign interpretation. Computational prediction algorithms are consistent with a benign effect. Therefore, based on the currently available evidence, this variant is classified as benign.

Labcorp Genetics (formerly Invitae), Labcorp
Classification: Uncertain significance for Glanzmann thrombasthenia. Last evaluated: 2025-12-15. Review status: criteria provided, single submitter. Criteria: Invitae Variant Classification Sherloc (09022015). Collection method: clinical testing. Allele origin: germline. Not counted in ClinVar's aggregate classification.
Comment: This sequence change replaces alanine, which is neutral and non-polar, with threonine, which is neutral and polar, at codon 989 of the ITGA2B protein (p.Ala989Thr). This variant is present in population databases (rs78165611, gnomAD 0.2%), and has an allele count higher than expected for a pathogenic variant. This missense change has been observed in individual(s) with Glanzmann thrombasthenia who also carried additional ITGA2B variants that may account for their clinical status (PMID: 15099289, 20020534, 25539746, 36519321). ClinVar contains an entry for this variant (Variation ID: 417951). Invitae Evidence Modeling of protein sequence and biophysical properties (such as structural, functional, and spatial information, amino acid conservation, physicochemical variation, residue mobility, and thermodynamic stability) has been performed for this missense variant. However, the output from this modeling did not meet the statistical confidence thresholds required to predict the impact of this variant on ITGA2B protein function. Experimental studies have shown that this missense change does not substantially affect ITGA2B function (PMID: 15099289). In summary, the available evidence is currently insufficient to determine the role of this variant in disease. Therefore, it has been classified as a Variant of Uncertain Significance.

Mayo Clinic Laboratories, Mayo Clinic
Classification: Benign. Last evaluated: 2025-02-05. Review status: criteria provided, single submitter. Criteria: ACMG Guidelines, 2015. Collection method: clinical testing. Allele origin: germline. Observed: 2 variant alleles. Not counted in ClinVar's aggregate classification.
Comment: BA1, BP2, BP4_moderate

Blueprint Genetics
Classification: Likely benign. Last evaluated: 2024-11-27. Review status: criteria provided, single submitter. Criteria: ACMG Guidelines, 2015. Collection method: clinical testing. Allele origin: germline. Not counted in ClinVar's aggregate classification.

Women's Health and Genetics/Laboratory Corporation of America, LabCorp
Classification: Likely benign. Last evaluated: 2024-11-04. Review status: criteria provided, single submitter. Criteria: LabCorp Variant Classification Summary - May 2015. Collection method: clinical testing. Allele origin: germline. Not counted in ClinVar's aggregate classification.
Comment: Variant summary: ITGA2B c.2965G>A (p.Ala989Thr) results in a non-conservative amino acid change in the encoded protein sequence. Three of five in-silico tools predict a benign effect of the variant on protein function. The variant allele was found at a frequency of 0.0006 in 251386 control chromosomes, predominantly at a frequency of 0.0014 within the Latino subpopulation in the gnomAD database. This frequency is not significantly higher than estimated for a pathogenic variant in ITGA2B causing ITGA2B-Related Disorders, allowing no conclusion about variant significance. c.2965G>A has been reported in the literature in individuals affected with ITGA2B-Related Disorders (Marconi_2023, Jallu_2010, Leine_2017, Sanchez-Guiu_2014). These report(s) do not provide unequivocal conclusions about association of the variant with ITGA2B-Related Disorders. A co-occurrence with another pathogenic variant has been reported (ITGA2B c.1612G>T, p.Glu538*), providing supporting evidence for a benign role (Sanchez-Guiu_2014). At least one publication reports experimental evidence evaluating an impact on protein function. These results showed no damaging effect of this variant (Nurden_2004). This variant is also known as p.Ala958Thr. The following publications have been ascertained in the context of this evaluation (PMID: 20020534, 28748566, 36519321, 25539746, 15099289). ClinVar contains an entry for this variant (Variation ID: 417951). Based on the evidence outlined above, the variant was classified as likely benign.

CeGaT Center for Human Genetics Tuebingen
Classification: Likely benign. Last evaluated: 2023-05-01. Review status: criteria provided, single submitter. Criteria: CeGaT Center For Human Genetics Tuebingen Variant Classification Criteria Version 2. Collection method: clinical testing. Allele origin: germline. Affected: yes. Observed: 2 variant alleles. Not counted in ClinVar's aggregate classification.
Comment: ITGA2B: BP4

Department of Pathology and Laboratory Medicine, Sinai Health System
Classification: Likely benign for Platelet-type bleeding disorder 16; Glanzmann thrombasthenia 1. Last evaluated: 2021-11-08. Review status: criteria provided, single submitter. Criteria: ACMG Guidelines, 2015. Collection method: research. Allele origin: germline. Not counted in ClinVar's aggregate classification.

Illumina Laboratory Services, Illumina
Classification: Uncertain significance for Glanzmann thrombasthenia 1. Last evaluated: 2017-04-27. Review status: criteria provided, single submitter. Criteria: ICSL Variant Classification Criteria 13 December 2019. Collection method: clinical testing. Allele origin: germline. Not counted in ClinVar's aggregate classification.
Comment: This variant was observed as part of a predisposition screen in an ostensibly healthy population. A literature search was performed for the gene, cDNA change, and amino acid change (where applicable). Publications were found based on this search. However, the evidence from the literature, in combination with allele frequency data from public databases where available, was not sufficient to rule this variant in or out of causing disease. Therefore, this variant is classified as a variant of unknown significance.

Breakthrough Genomics
Classification: Likely benign. Review status: criteria provided, single submitter. Criteria: ACMG Guidelines, 2015. Collection method: not provided. Allele origin: germline. Inheritance: Autosomal recessive inheritance. Affected: yes. Not counted in ClinVar's aggregate classification.

PreventionGenetics, part of Exact Sciences
Classification: Likely benign for ITGA2B-related condition. Last evaluated: 2022-02-01. Review status: no assertion criteria provided. Collection method: clinical testing. Allele origin: germline. Not counted in ClinVar's aggregate classification.
Comment: This variant is classified as likely benign based on ACMG/AMP sequence variant interpretation guidelines (Richards et al. 2015 PMID: 25741868, with internal and published modifications).

Division of Human Genetics, Children's Hospital of Philadelphia
Classification: Uncertain significance for Platelet-type bleeding disorder 16; Glanzmann thrombasthenia 1. Last evaluated: 2016-02-15. Review status: no assertion criteria provided. Collection method: research. Allele origin: maternal. Affected: yes. Study: CSER-PediSeq. Not counted in ClinVar's aggregate classification.

Literature cited by the submitters: PubMed 25539746 (cited by 4 submitters); PubMed 15099289 (cited by 4 submitters); PubMed 20020534 (cited by 3 submitters); PubMed 36519321 (cited by Labcorp Genetics (formerly Invitae), Labcorp and Women's Health and Genetics/Laboratory Corporation of America, LabCorp); PubMed 28748566 (cited by Women's Health and Genetics/Laboratory Corporation of America, LabCorp).

NM_000419.5(ITGA2B):c.2965G>A (p.Ala989Thr)

Gene: ITGA2B (integrin subunit alpha 2b; minus strand). Cytogenetic location: 17q21.31.
Variant type: single nucleotide variant.
Coding change: c.2965G>A on transcript NM_000419.5 (MANE Select); coding-DNA position 2965, G replaced by A.
Protein change: p.Ala989Thr; replaces alanine 989 with threonine.
Molecular consequence: missense variant.
Genome position (GRCh38, 1-based): chr17:44,374,449, C>T on the plus strand (G>A on the coding strand, the complement: ITGA2B is on the minus strand). VCF-style: chr17-44374449-C-T. GRCh37 (hg19) VCF-style: chr17-42451817-C-T.
Other names: c.2965G>A (LRG_479t1, NM_000419.4); short protein forms A989T.
Identifiers: ClinVar variation 417951 (VCV000417951.44), dbSNP rs78165611, ClinGen allele CA8602498.